The following is an entry in ClinVar:

ClinVar aggregate classification (germline): Likely pathogenic. Review status: criteria provided, multiple submitters, no conflicts (2 of 4 stars). 2 submissions from 2 submitters: Likely pathogenic (2). Last evaluated 2024-05-23.

Conditions:
ACADSB-related disorder. Also called: ACADSB-related condition.
Deficiency of 2-methylbutyryl-CoA dehydrogenase (ACADSB). Also called: 2-methylbutyrylglycinuria; 2-methylbutyryl-CoA dehydrogenase deficiency; SBCAD deficiency; 2-methylbutyric aciduria; Short branched-chain acyl-CoA dehydrogenase deficiency. Identifiers: Orphanet 79157, MedGen C1864912, MONDO:0012392, OMIM 610006, HP:0020147.

Submissions (2):

Fulgent Genetics
Classification: Likely pathogenic for Deficiency of 2-methylbutyryl-CoA dehydrogenase. Last evaluated: 2024-05-23. Review status: criteria provided, single submitter. Criteria: ACMG Guidelines, 2015. Collection method: clinical testing. Allele origin: germline.

PreventionGenetics, part of Exact Sciences
Classification: Likely pathogenic for ACADSB-related condition. Last evaluated: 2023-01-27. Review status: criteria provided, single submitter. Criteria: ACMG Guidelines, 2015. Collection method: clinical testing. Allele origin: germline.
Comment: The ACADSB c.1053C>A variant is predicted to result in premature protein termination (p.Tyr351*). To our knowledge, this variant has not been reported in the literature or in a large population database, indicating this variant is rare. Nonsense variants in ACADSB are expected to be pathogenic. This variant is interpreted as likely pathogenic.

NM_001609.4(ACADSB):c.1053C>A (p.Tyr351Ter)

Gene: ACADSB (acyl-CoA dehydrogenase short/branched chain; plus strand). Cytogenetic location: 10q26.13.
Variant type: single nucleotide variant.
Coding change: c.1053C>A on transcript NM_001609.4 (MANE Select); coding-DNA position 1053, C replaced by A.
Protein change: p.Tyr351Ter; replaces tyrosine 351 with a stop codon.
Molecular consequence: nonsense.
Genome position (GRCh38, 1-based): chr10:123,051,111, C>A. VCF-style: chr10-123051111-C-A. GRCh37 (hg19) VCF-style: chr10-124810627-C-A.
Other names: c.747C>A, p.Tyr249Ter (NM_001330174.3); short protein forms Y249*, Y351*.
Identifiers: ClinVar variation 2628744 (VCV002628744.2), dbSNP rs2493665132, ClinGen allele CA378621962.
Genomic context (GRCh38, chr10:123,051,111, plus strand): 5'-CCTCCAACACCAAGTGGCTCACGTGGCCACCCAGCTGGAAGCTGCAAGATTACTAACATA[C>A]AATGCTGCTAGGCTTTTAGAAGCTGGAAAGCCATTCATAAAAGAAGCGTCAATGGCCAAA-3'